The following is an entry in ClinVar:

ClinVar aggregate classification (germline): Likely benign (1 of 4 stars; one submission).

Submission:

GeneDx
Classification: Likely benign. Last evaluated: 2016-07-20. Review status: criteria provided, single submitter. Criteria: GeneDx Variant Classification (06012015). Collection method: clinical testing. Allele origin: germline. Affected: yes.
Comment: This variant is considered likely benign or benign based on one or more of the following criteria: it is a conservative change, it occurs at a poorly conserved position in the protein, it is predicted to be benign by multiple in silico algorithms, and/or has population frequency not consistent with disease.

NM_001204526.2(SSR4):c.20-38_20-12dup

Gene: SSR4 (signal sequence receptor subunit 4; plus strand). Cytogenetic location: Xq28.
Variant type: Duplication.
Coding change: c.20-38_20-12dup on transcript NM_001204526.2; 38 bases into the intron before coding-DNA position 20 through 12 bases into the intron before coding-DNA position 20, 27 bases duplicated (CCCTCGTGTTCATGGGAGCTCGTTTTC).
Molecular consequence: intron variant.
Genome position (GRCh38, 1-based): chrX:153,794,636-153,794,662, CCCTCGTGTTCATGGGAGCTCGTTTTC duplicated; duplicating any 27 consecutive bases within chrX:153,794,635-153,794,662 gives the same sequence; the c. name uses the placement nearest the transcript's 3' end. VCF-style (leftmost placement, unchanged base first): chrX-153794634-G-GCCCCTCGTGTTCATGGGAGCTCGTTTT. GRCh37 (hg19) VCF-style: chrX-153060089-G-GCCCCTCGTGTTCATGGGAGCTCGTTTT.
Other names: c.-14-38_-14-12dup (NM_001440796.1); c.68-38_68-12dup (NM_001440795.1); c.11-38_11-12dup (NM_001204527.2); c.20-38_20-12dupCCCTCGTGTTCATGGGAGCTCGTTTTC (NM_001204526.1); c.20-38_20-12dup27 (NM_001204526.1).
Identifiers: ClinVar variation 421458 (VCV000421458.3), dbSNP rs1064795151, ClinGen allele CA16621228.